The following is an entry in ClinVar:

ClinVar aggregate classification (germline): Uncertain significance (1 of 4 stars; one submission).

gnomAD v4.1: 19 of 1,613,578 alleles (0.0012%); highest among the groups gnomAD compares: Admixed American, 0.03%; no homozygotes.

Submission:

Labcorp Genetics (formerly Invitae), Labcorp
Classification: Uncertain significance. Last evaluated: 2025-10-11. Review status: criteria provided, single submitter. Criteria: Invitae Variant Classification Sherloc (09022015). Collection method: clinical testing. Allele origin: germline.
Comment: This sequence change replaces arginine, which is basic and polar, with threonine, which is neutral and polar, at codon 89 of the INTU protein (p.Arg89Thr). This variant is present in population databases (rs752989332, gnomAD 0.03%). This variant has not been reported in the literature in individuals affected with INTU-related conditions. ClinVar contains an entry for this variant (Variation ID: 3671573). Invitae Evidence Modeling of protein sequence and biophysical properties (such as structural, functional, and spatial information, amino acid conservation, physicochemical variation, residue mobility, and thermodynamic stability) indicates that this missense variant is not expected to disrupt INTU protein function with a negative predictive value of 80%. In summary, the available evidence is currently insufficient to determine the role of this variant in disease. Therefore, it has been classified as a Variant of Uncertain Significance.

NM_015693.4(INTU):c.266G>C (p.Arg89Thr)

Gene: INTU (inturned planar cell polarity protein; plus strand). Cytogenetic location: 4q28.1.
Variant type: single nucleotide variant.
Coding change: c.266G>C on transcript NM_015693.4 (MANE Select); coding-DNA position 266, G replaced by C.
Protein change: p.Arg89Thr; replaces arginine 89 with threonine.
Molecular consequence: missense variant.
Genome position (GRCh38, 1-based): chr4:127,643,640, G>C. VCF-style: chr4-127643640-G-C. GRCh37 (hg19) VCF-style: chr4-128564795-G-C.
Other names: short protein forms R89T.
Identifiers: ClinVar variation 3671573 (VCV003671573.2).